The following is an entry in ClinVar:

NM_022124.6(CDH23):c.2830A>G (p.Ser944Gly)

Gene: CDH23 (cadherin related 23; plus strand). Cytogenetic location: 10q22.1.
Variant type: single nucleotide variant.
Coding change: c.2830A>G on transcript NM_022124.6 (MANE Select); coding-DNA position 2830, A replaced by G.
Protein change: p.Ser944Gly; replaces serine 944 with glycine.
Molecular consequence: missense variant.
Genome position (GRCh38, 1-based): chr10:71,705,007, A>G. VCF-style: chr10-71705007-A-G. GRCh37 (hg19) VCF-style: chr10-73464764-A-G.
Other names: c.2830A>G, p.Ser944Gly (NM_001171930.2, NM_001171931.2); short protein forms S944G.
Identifiers: ClinVar variation 45902 (VCV000045902.69), dbSNP rs188098974, ClinGen allele CA137338.

ClinVar aggregate classification (germline): Conflicting classifications of pathogenicity. Review status: criteria provided, conflicting classifications (1 of 4 stars). 11 submissions from 10 submitters: Uncertain significance (4); Benign (2); Likely benign (4). 1 of the submissions does not count toward it. Last evaluated 2026-03-26.

Conditions:
CDH23-related disorder. Also called: CDH23-related condition; CDH23-related disorders.
Usher syndrome type 1 (USH1). Also called: RETINITIS PIGMENTOSA AND CONGENITAL DEAFNESS. Identifiers: Orphanet 231169, Orphanet 886, MedGen C1568247, MONDO:0010168, OMIM 276900.
Autosomal recessive nonsyndromic hearing loss 12. Also called: DEAFNESS, AUTOSOMAL RECESSIVE 12. Identifiers: Orphanet 90636, MedGen C1832394, MONDO:0011067, OMIM 601386.
Usher syndrome type 1D (USH1D). Also called: USHER SYNDROME, TYPE ID. Identifiers: Orphanet 231169, Orphanet 886, MedGen C1832845, MONDO:0010984, OMIM 601067.

Allele frequency attached by ClinVar (database versions not stated): 1000 Genomes Project 30x 0.00047; TOPMed 0.00054; 1000 Genomes Project 0.00060; ESP Exome Variant Server 0.00063; gnomAD 0.00091 and 0.00096; gnomAD exomes 0.00121; ExAC 0.00135.
gnomAD v4.1: 1,641 of 1,612,704 alleles (0.1%); highest among the groups gnomAD compares: South Asian, 0.3%; 9 homozygotes.

Submissions (11):

PreventionGenetics, part of Exact Sciences
Classification: Likely benign for CDH23-related condition. Last evaluated: 2026-03-26. Review status: criteria provided, single submitter. Criteria: ACMG Guidelines, 2015. Collection method: clinical testing. Allele origin: germline.
Comment: This variant is classified as likely benign based on ACMG/AMP sequence variant interpretation guidelines (Richards et al. 2015 PMID: 25741868, with internal and published modifications).

CeGaT Center for Human Genetics Tuebingen
Classification: Likely benign. Last evaluated: 2026-02-01. Review status: criteria provided, single submitter. Criteria: CeGaT Center For Human Genetics Tuebingen Variant Classification Criteria Version 2. Collection method: clinical testing. Allele origin: germline. Affected: yes. Observed: 9 variant alleles.
Comment: CDH23: BP4, BS2

Labcorp Genetics (formerly Invitae), Labcorp
Classification: Benign. Last evaluated: 2026-01-26. Review status: criteria provided, single submitter. Criteria: Invitae Variant Classification Sherloc (09022015). Collection method: clinical testing. Allele origin: germline.

Blueprint Genetics
Classification: Likely benign. Last evaluated: 2024-11-23. Review status: criteria provided, single submitter. Criteria: ACMG Guidelines, 2015. Collection method: clinical testing. Allele origin: germline.

GeneDx
Classification: Likely benign. Last evaluated: 2021-01-26. Review status: criteria provided, single submitter. Criteria: GeneDx Variant Classification Process June 2021. Collection method: clinical testing. Allele origin: germline. Affected: yes.
Comment: This variant is associated with the following publications: (PMID: 18429043, 32707200)

Revvity Omics, Revvity
Classification: Uncertain significance. Last evaluated: 2019-11-01. Review status: criteria provided, single submitter. Criteria: ACMG Guidelines, 2015. Collection method: clinical testing. Allele origin: germline.

Illumina Laboratory Services, Illumina
Classification: Uncertain significance for Usher syndrome type 1D. Last evaluated: 2017-04-28. Review status: criteria provided, single submitter. Criteria: ICSL Variant Classification Criteria 13 December 2019. Collection method: clinical testing. Allele origin: germline.
Comment: This variant was observed as part of a predisposition screen in an ostensibly healthy population. A literature search was performed for the gene, cDNA change, and amino acid change (where applicable). Publications were found based on this search. However, the evidence from the literature, in combination with allele frequency data from public databases where available, was not sufficient to rule this variant in or out of causing disease. Therefore, this variant is classified as a variant of unknown significance.

Illumina Laboratory Services, Illumina
Classification: Uncertain significance for Autosomal recessive nonsyndromic hearing loss 12. Last evaluated: 2017-04-28. Review status: criteria provided, single submitter. Criteria: ICSL Variant Classification Criteria 13 December 2019. Collection method: clinical testing. Allele origin: germline.
Comment: the same text as in the submission from Illumina Laboratory Services, Illumina above.

Laboratory for Molecular Medicine, Mass General Brigham Personalized Medicine
Classification: Benign. Last evaluated: 2015-02-20. Review status: criteria provided, single submitter. Criteria: LMM Criteria. Collection method: clinical testing. Allele origin: germline. Observed: 4 variant alleles.
Comment: p.Ser944Gly in exon 25 of CDH23: This variant is not expected to have clinical s ignificance because it has been identified in 0.3% (55/16450) of South Asian chr omosomes with two homozygotes and in 0.3% (18/6608) of Finnish chromosomes by th e Exome Aggregation Consortium (ExAC; dbSNP rs18 8098971).

Eurofins Ntd Llc (ga)
Classification: Uncertain significance. Last evaluated: 2015-01-29. Review status: criteria provided, single submitter. Criteria: EGL Classification Definitions 2015. Collection method: clinical testing. Allele origin: germline. Observed: 1 variant allele, 1 heterozygote.

Natera, Inc.
Classification: Likely benign for Usher syndrome type 1. Last evaluated: 2020-01-31. Review status: no assertion criteria provided. Collection method: clinical testing. Allele origin: germline. Not counted in ClinVar's aggregate classification.

Literature cited by the submitters: PubMed 18429043 (cited by Illumina Laboratory Services, Illumina and Laboratory for Molecular Medicine, Mass General Brigham Personalized Medicine).